The following is an entry in ClinVar:

NM_001127178.3(PIGG):c.1806C>T (p.Asp602=)

Gene: PIGG (phosphatidylinositol glycan anchor biosynthesis class G (EMM blood group); plus strand). Cytogenetic location: 4p16.3.
Variant type: single nucleotide variant.
Coding change: c.1806C>T on transcript NM_001127178.3 (MANE Select); coding-DNA position 1806, C replaced by T.
Protein change: p.Asp602=; no amino-acid change (aspartic acid 602 retained).
Molecular consequence: synonymous variant. On other transcripts: non-coding transcript variant (7).
Genome position (GRCh38, 1-based): chr4:523,650, C>T. VCF-style: chr4-523650-C-T. GRCh37 (hg19) VCF-style: chr4-517439-C-T.
Other names: c.1539C>T, p.Asp513= (NM_001289051.2, NM_001345986.2); c.1407C>T, p.Asp469= (NM_001289052.2); c.1515C>T, p.Asp505= (NM_001345987.2); c.777C>T, p.Asp259= (NM_001345988.2); c.273C>T, p.Asp91= (NM_001345990.2, NM_001345991.2); c.708C>T, p.Asp236= (NM_001345994.2); c.1782C>T, p.Asp594= (NM_017733.5).
Identifiers: ClinVar variation 752237 (VCV000752237.33), dbSNP rs150599490, ClinGen allele CA2793454.

ClinVar aggregate classification (germline): Likely benign. Review status: criteria provided, multiple submitters, no conflicts (2 of 4 stars). 2 submissions from 2 submitters: Likely benign (2). Last evaluated 2025-04-08.

Conditions:
Intellectual disability, autosomal recessive 53 (NEDHSCA). Also called: GLYCOSYLPHOSPHATIDYLINOSITOL BIOSYNTHESIS DEFECT 13; Mental retardation, autosomal recessive 53; NEURODEVELOPMENTAL DISORDER WITH OR WITHOUT HYPOTONIA, SEIZURES, AND CEREBELLAR ATROPHY. Identifiers: Orphanet 488635, MedGen C4310794, MONDO:0014832, OMIM 616917.

Allele frequency attached by ClinVar (database versions not stated): ExAC 0.00001; TOPMed 0.00002; gnomAD exomes 0.00003 and 0.00004; gnomAD 0.00004; 1000 Genomes Project 30x 0.00016; 1000 Genomes Project 0.00020.
gnomAD v4.1: 65 of 1,614,190 alleles (0.004%); highest among the groups gnomAD compares: South Asian, 0.0088%; no homozygotes.

Submissions (2):

Labcorp Genetics (formerly Invitae), Labcorp
Classification: Likely benign for Intellectual disability, autosomal recessive 53. Last evaluated: 2025-04-08. Review status: criteria provided, single submitter. Criteria: Invitae Variant Classification Sherloc (09022015). Collection method: clinical testing. Allele origin: germline.

CeGaT Center for Human Genetics Tuebingen
Classification: Likely benign. Last evaluated: 2023-03-01. Review status: criteria provided, single submitter. Criteria: CeGaT Center For Human Genetics Tuebingen Variant Classification Criteria Version 2. Collection method: clinical testing. Allele origin: germline. Affected: yes. Observed: 1 variant allele.
Comment: PIGG: BP4, BP7